The following is an entry in ClinVar:

NM_003504.5(CDC45):c.1020G>C (p.Leu340Phe)

Gene: CDC45 (cell division cycle 45; plus strand). Cytogenetic location: 22q11.21.
Variant type: single nucleotide variant.
Coding change: c.1020G>C on transcript NM_003504.5 (MANE Select); coding-DNA position 1020, G replaced by C.
Protein change: p.Leu340Phe; replaces leucine 340 with phenylalanine.
Molecular consequence: missense variant. On other transcripts: non-coding transcript variant (1).
Genome position (GRCh38, 1-based): chr22:19,507,829, G>C. VCF-style: chr22-19507829-G-C. GRCh37 (hg19) VCF-style: chr22-19495352-G-C.
Other names: c.1116G>C, p.Leu372Phe (NM_001178010.2); c.882G>C, p.Leu294Phe (NM_001178011.2); c.984G>C, p.Leu328Phe (NM_001369291.1); short protein forms L294F, L328F, L340F, L372F.
Identifiers: ClinVar variation 1022452 (VCV001022452.10), dbSNP rs1198413149, ClinGen allele CA410667193.

ClinVar aggregate classification (germline): Uncertain significance (1 of 4 stars; one submission).

Submission:

Labcorp Genetics (formerly Invitae), Labcorp
Classification: Uncertain significance. Last evaluated: 2022-04-01. Review status: criteria provided, single submitter. Criteria: Invitae Variant Classification Sherloc (09022015). Collection method: clinical testing. Allele origin: germline.
Comment: This sequence change replaces leucine, which is neutral and non-polar, with phenylalanine, which is neutral and non-polar, at codon 372 of the CDC45 protein (p.Leu372Phe). This variant is not present in population databases (gnomAD no frequency). This variant has not been reported in the literature in individuals affected with CDC45-related conditions. ClinVar contains an entry for this variant (Variation ID: 1022452). Algorithms developed to predict the effect of missense changes on protein structure and function are either unavailable or do not agree on the potential impact of this missense change (SIFT: "Deleterious"; PolyPhen-2: "Possibly Damaging"; Align-GVGD: "Class C0"). In summary, the available evidence is currently insufficient to determine the role of this variant in disease. Therefore, it has been classified as a Variant of Uncertain Significance.